The following is an entry in ClinVar:

NM_000264.5(PTCH1):c.2009C>T (p.Pro670Leu)

Genes: PTCH1 (patched 1; minus strand), LOC100507346 (uncharacterized LOC100507346; plus strand). Cytogenetic location: 9q22.32.
Variant type: single nucleotide variant.
Coding change: c.2009C>T on transcript NM_000264.5 (MANE Select); coding-DNA position 2009, C replaced by T.
Protein change: p.Pro670Leu; replaces proline 670 with leucine.
Molecular consequence: missense variant. On other transcripts: non-coding transcript variant (2).
Genome position (GRCh38, 1-based): chr9:95,468,992, G>A on the plus strand (C>T on the coding strand, the complement: PTCH1 is on the minus strand). VCF-style: chr9-95468992-G-A. GRCh37 (hg19) VCF-style: chr9-98231274-G-A.
Other names: c.2009C>T (NM_000264.3); c.1811C>T, p.Pro604Leu (NM_001083602.3); c.2006C>T, p.Pro669Leu (NM_001083603.3); c.1556C>T, p.Pro519Leu (NM_001083604.3, NM_001083605.3, NM_001083606.3 and 1 more transcripts); c.1853C>T, p.Pro618Leu (NM_001354918.2); short protein forms P669L, P604L, P519L, P618L, P670L.
Identifiers: ClinVar variation 1385465 (VCV001385465.8), dbSNP rs2118046186, ClinGen allele CA374115847.

ClinVar aggregate classification (germline): Uncertain significance. Review status: criteria provided, multiple submitters, no conflicts (2 of 4 stars). 2 submissions from 2 submitters: Uncertain significance (2). Last evaluated 2024-12-05.

Conditions:
Gorlin syndrome. Also called: Basal cell nevus syndrome; Nevoid Basal Cell Carcinoma Syndrome. Identifiers: Orphanet 377, MedGen C0004779, MONDO:0007187.
Hereditary cancer-predisposing syndrome. Also called: Tumor predisposition; Hereditary neoplastic syndrome; Neoplastic Syndromes, Hereditary; Hereditary Cancer Syndrome. Identifiers: Orphanet 140162, MedGen C0027672, MeSH D009386, MONDO:0015356.

gnomAD v4.1: 2 of 1,614,096 alleles (0.00012%); highest among the groups gnomAD compares: South Asian, 0.0011%; no homozygotes.

Submissions (2):

Labcorp Genetics (formerly Invitae), Labcorp
Classification: Uncertain significance for Gorlin syndrome. Last evaluated: 2024-12-05. Review status: criteria provided, single submitter. Criteria: Invitae Variant Classification Sherloc (09022015). Collection method: clinical testing. Allele origin: germline.
Comment: This sequence change replaces proline, which is neutral and non-polar, with leucine, which is neutral and non-polar, at codon 670 of the PTCH1 protein (p.Pro670Leu). This variant is not present in population databases (gnomAD no frequency). This variant has not been reported in the literature in individuals affected with PTCH1-related conditions. ClinVar contains an entry for this variant (Variation ID: 1385465). Invitae Evidence Modeling of protein sequence and biophysical properties (such as structural, functional, and spatial information, amino acid conservation, physicochemical variation, residue mobility, and thermodynamic stability) has been performed for this missense variant. However, the output from this modeling did not meet the statistical confidence thresholds required to predict the impact of this variant on PTCH1 protein function. In summary, the available evidence is currently insufficient to determine the role of this variant in disease. Therefore, it has been classified as a Variant of Uncertain Significance.

Ambry Genetics
Classification: Uncertain significance for Hereditary cancer-predisposing syndrome. Last evaluated: 2023-06-09. Review status: criteria provided, single submitter. Criteria: Ambry Variant Classification Scheme 2023. Collection method: clinical testing. Allele origin: germline.
Comment: The p.P670L variant (also known as c.2009C>T), located in coding exon 14 of the PTCH1 gene, results from a C to T substitution at nucleotide position 2009. The proline at codon 670 is replaced by leucine, an amino acid with similar properties. This amino acid position is conserved. In addition, this alteration is predicted to be deleterious by in silico analysis. Since supporting evidence is limited at this time, the clinical significance of this alteration remains unclear.